The following is an entry in ClinVar:

ClinVar aggregate classification (germline): Pathogenic/Likely pathogenic. Review status: criteria provided, multiple submitters, no conflicts (2 of 4 stars). 8 submissions from 7 submitters: Pathogenic (4); Likely pathogenic (3). 1 of the submissions does not count toward it. Last evaluated 2025-11-11.

Conditions:
Usher syndrome type 2A. Also called: RETINAL DISEASE IN USHER SYNDROME TYPE IIA, MODIFIER OF; USHER SYNDROME, TYPE IIA. Identifiers: Orphanet 231178, Orphanet 886, MedGen C1848634, MONDO:0010169, OMIM 276901.
Retinitis pigmentosa 39 (RP39). Identifiers: Orphanet 791, MedGen C3151138, MONDO:0013436, OMIM 613809.
USH2A-related disorder. Also called: USH2A-related disorders; USH2A-related condition. Identifiers: MedGen CN239332.

Allele frequency attached by ClinVar (database versions not stated): gnomAD exomes below 0.00001 and 0.00002; ExAC 0.00001.

Submissions (8):

3billion
Classification: Pathogenic for Usher syndrome type 2A. Last evaluated: 2025-11-11. Review status: criteria provided, single submitter. Criteria: ACMG Guidelines, 2015. Collection method: clinical testing. Allele origin: germline. Affected: yes.
Comment: The variant is observed at an extremely low frequency in the gnomAD v4.1.0 dataset (total allele frequency: 0.002%). Predicted Consequence/Location: Frameshift: predicted to result in a loss or disruption of normal protein function through nonsense-mediated decay (NMD) or protein truncation. Multiple pathogenic variants are reported downstream of the variant. The variant has been reported at least twice as pathogenic with clinical assertions and evidence for the classification (ClinVar ID: VCV000554725 /PMID: 36011334). Therefore, this variant is classified as Pathogenic according to the recommendation of ACMG/AMP guideline.

Natera, Inc.
Classification: Pathogenic for Usher syndrome type 2A. Last evaluated: 2024-10-29. Review status: criteria provided, single submitter. Criteria: Natera Variant Classification Schema (03/2026). Collection method: clinical testing. Allele origin: germline.
Comment: The c.12697_12698del variant in USH2A is a frameshift variant predicted to shift the reading frame beginning at codon 4233 and leads to a stop codon 4 codons downstream. This variant is expected to result in nonsense mediated decay, truncation, or a dysfunctional protein product. This variant is rare in the general population with a frequency below the threshold expected for the associated phenotype(s). This variant has been observed in one or more individuals affected with the associated recessive disease, as either homozygous or compound heterozygous with a second variant (PMID: 36011334, 33749171). Given the available evidence, this variant is classified as Pathogenic.

Genome-Nilou Lab
Classification: Likely pathogenic for Retinitis pigmentosa 39. Last evaluated: 2023-11-04. Review status: criteria provided, single submitter. Criteria: ACMG Guidelines, 2015. Collection method: clinical testing. Allele origin: germline. Affected: no.

Genome-Nilou Lab
Classification: Likely pathogenic for Usher syndrome type 2A. Last evaluated: 2023-11-04. Review status: criteria provided, single submitter. Criteria: ACMG Guidelines, 2015. Collection method: clinical testing. Allele origin: germline. Affected: no.

Labcorp Genetics (formerly Invitae), Labcorp
Classification: Pathogenic. Last evaluated: 2023-05-02. Review status: criteria provided, single submitter. Criteria: Invitae Variant Classification Sherloc (09022015). Collection method: clinical testing. Allele origin: germline.
Comment: This sequence change creates a premature translational stop signal (p.Trp4233Aspfs*4) in the USH2A gene. It is expected to result in an absent or disrupted protein product. Loss-of-function variants in USH2A are known to be pathogenic (PMID: 10729113, 10909849, 20507924, 25649381). This variant is present in population databases (rs764917754, gnomAD 0.0009%). This variant has not been reported in the literature in individuals affected with USH2A-related conditions. ClinVar contains an entry for this variant (Variation ID: 554725). For these reasons, this variant has been classified as Pathogenic.

Baylor Genetics
Classification: Likely pathogenic for Retinitis pigmentosa 39. Last evaluated: 2023-01-22. Review status: criteria provided, single submitter. Criteria: ACMG Guidelines, 2015. Collection method: clinical testing. Allele origin: unknown.

Blueprint Genetics
Classification: Pathogenic for USH2A-related disorders. Last evaluated: 2018-12-21. Review status: criteria provided, single submitter. Criteria: ACMG Guidelines, 2015. Collection method: clinical testing. Allele origin: germline. Affected: yes. Observed: 2 variant alleles.

Counsyl
Classification: Likely pathogenic for Usher syndrome type 2A; Retinitis pigmentosa 39. Last evaluated: 2017-11-02. Review status: no assertion criteria provided. Collection method: clinical testing. Allele origin: unknown. Not counted in ClinVar's aggregate classification.

Literature cited by the submitters: PubMed 36011334 (cited by 3billion and Natera, Inc.); PubMed 33749171 (cited by Natera, Inc.); PubMed 10729113 (cited by Labcorp Genetics (formerly Invitae), Labcorp); PubMed 10909849 (cited by Labcorp Genetics (formerly Invitae), Labcorp); PubMed 20507924 (cited by Labcorp Genetics (formerly Invitae), Labcorp); PubMed 25649381 (cited by Labcorp Genetics (formerly Invitae), Labcorp).

NM_206933.4(USH2A):c.12697_12698del (p.Trp4233fs)

Gene: USH2A (usherin; minus strand). Cytogenetic location: 1q41.
Variant type: Deletion.
Coding change: c.12697_12698del on transcript NM_206933.4 (MANE Select); coding-DNA positions 12697 to 12698, 2 bases deleted (TG; older notation c.12697_12698delTG).
Protein change: p.Trp4233fs; shifts the reading frame from tryptophan 4233.
Molecular consequence: frameshift variant.
Genome position (GRCh38, 1-based): chr1:215,675,213-215,675,214, CA deleted on the plus strand (TG on the coding strand, the reverse complement: USH2A is on the minus strand). VCF-style (leftmost placement, unchanged base first): chr1-215675212-CCA-C. GRCh37 (hg19) VCF-style: chr1-215848554-CCA-C.
Other names: c.12697_12698del (NM_206933.2); short protein forms W4233fs.
Identifiers: ClinVar variation 554725 (VCV000554725.15), dbSNP rs764917754, ClinGen allele CA1393421.